The following is an entry in ClinVar:

ClinVar aggregate classification (germline): Likely pathogenic (1 of 4 stars; one submission).

Conditions:
Hereditary spherocytosis type 3. Also called: Spherocytosis type 3; SPTA1-Related Spherocytosis. Identifiers: Orphanet 822, MedGen C2678338, MONDO:0010053, OMIM 270970.

Submission:

Laboratory of Medical Genetics, National & Kapodistrian University of Athens
Classification: Likely pathogenic for Hereditary spherocytosis type 3. Last evaluated: 2021-11-03. Review status: criteria provided, single submitter. Criteria: ACMG Guidelines, 2015. Collection method: clinical testing. Allele origin: germline. Affected: yes.
Comment: PVS1, PM2

NM_003126.4(SPTA1):c.2335_2352delinsGCTCTCA (p.Lys779fs)

Gene: SPTA1 (spectrin alpha, erythrocytic 1; minus strand). Cytogenetic location: 1q23.1.
Variant type: Indel.
Coding change: c.2335_2352delinsGCTCTCA on transcript NM_003126.4 (MANE Select); coding-DNA positions 2335 to 2352, AAAGAGCCACTGGCCACC replaced by GCTCTCA.
Protein change: p.Lys779fs; shifts the reading frame from lysine 779.
Molecular consequence: frameshift variant.
Genome position (GRCh38, 1-based): chr1:158,662,814-158,662,831, GGTGGCCAGTGGCTCTTT replaced by TGAGAGC on the plus strand (AAAGAGCCACTGGCCACC replaced by GCTCTCA on the coding strand, the reverse complement: SPTA1 is on the minus strand). VCF-style: chr1-158662814-GGTGGCCAGTGGCTCTTT-TGAGAGC. GRCh37 (hg19) VCF-style: chr1-158632604-GGTGGCCAGTGGCTCTTT-TGAGAGC.
Other names: short protein forms K779fs.
Identifiers: ClinVar variation 1708148 (VCV001708148.1), dbSNP rs2525200185, ClinGen allele CA2580061234.